The following is an entry in ClinVar:

NM_005060.4(RORC):c.779C>T (p.Pro260Leu)

Gene: RORC (RAR related orphan receptor C; minus strand). Cytogenetic location: 1q21.3.
Variant type: single nucleotide variant.
Coding change: c.779C>T on transcript NM_005060.4 (MANE Select); coding-DNA position 779, C replaced by T.
Protein change: p.Pro260Leu; replaces proline 260 with leucine.
Molecular consequence: missense variant.
Genome position (GRCh38, 1-based): chr1:151,814,945, G>A on the plus strand (C>T on the coding strand, the complement: RORC is on the minus strand). VCF-style: chr1-151814945-G-A. GRCh37 (hg19) VCF-style: chr1-151787421-G-A.
Other names: c.716C>T, p.Pro239Leu (NM_001001523.2); short protein forms P239L, P260L.
Identifiers: ClinVar variation 1398787 (VCV001398787.5), dbSNP rs1209731485, ClinGen allele CA342015290.

ClinVar aggregate classification (germline): Uncertain significance (1 of 4 stars; one submission).

Conditions:
Autosomal recessive mendelian susceptibility to mycobacterial diseases due to complete RORgamma receptor deficiency. Also called: Immunodeficiency 42. Identifiers: Orphanet 477857, MedGen C5567647, MONDO:0014710, OMIM 616622.

Allele frequency attached by ClinVar (database versions not stated): gnomAD exomes below 0.00001 and 0.00001; TOPMed 0.00001.

Submission:

Labcorp Genetics (formerly Invitae), Labcorp
Classification: Uncertain significance for Autosomal recessive mendelian susceptibility to mycobacterial diseases due to complete RORgamma receptor deficiency. Last evaluated: 2022-06-13. Review status: criteria provided, single submitter. Criteria: Invitae Variant Classification Sherloc (09022015). Collection method: clinical testing. Allele origin: germline.
Comment: This sequence change replaces proline, which is neutral and non-polar, with leucine, which is neutral and non-polar, at codon 260 of the RORC protein (p.Pro260Leu). This variant is present in population databases (no rsID available, gnomAD 0.0009%). This variant has not been reported in the literature in individuals affected with RORC-related conditions. Algorithms developed to predict the effect of missense changes on protein structure and function output the following: SIFT: "Tolerated"; PolyPhen-2: "Benign"; Align-GVGD: "Class C0". The leucine amino acid residue is found in multiple mammalian species, which suggests that this missense change does not adversely affect protein function. In summary, the available evidence is currently insufficient to determine the role of this variant in disease. Therefore, it has been classified as a Variant of Uncertain Significance.